The following is an entry in ClinVar:

ClinVar aggregate classification (germline): Uncertain significance (1 of 4 stars; one submission).

gnomAD v4.1: 2 of 1,581,080 alleles (0.00013%); highest among the groups gnomAD compares: Non-Finnish European, 0.000087%; no homozygotes.

Submission:

CeGaT Center for Human Genetics Tuebingen
Classification: Uncertain significance. Last evaluated: 2025-09-01. Review status: criteria provided, single submitter. Criteria: CeGaT Center For Human Genetics Tuebingen Variant Classification Criteria Version 2. Collection method: clinical testing. Allele origin: germline. Affected: yes. Observed: 1 variant allele.
Comment: KMT2C: PM2, BP4, BP7

NM_170606.3(KMT2C):c.9513T>C (p.Phe3171=)

Gene: KMT2C (lysine methyltransferase 2C; minus strand). Cytogenetic location: 7q36.1.
Variant type: single nucleotide variant.
Coding change: c.9513T>C on transcript NM_170606.3 (MANE Select); coding-DNA position 9513, T replaced by C.
Protein change: p.Phe3171=; no amino-acid change (phenylalanine 3171 retained).
Molecular consequence: synonymous variant.
Genome position (GRCh38, 1-based): chr7:152,169,190, A>G on the plus strand (T>C on the coding strand, the complement: KMT2C is on the minus strand). VCF-style: chr7-152169190-A-G. GRCh37 (hg19) VCF-style: chr7-151866275-A-G.
Identifiers: ClinVar variation 4280939 (VCV004280939.7).